The following is an entry in ClinVar:

NM_024598.4(USB1):c.266A>G (p.Tyr89Cys)

Gene: USB1 (U6 snRNA biogenesis phosphodiesterase 1; plus strand). Cytogenetic location: 16q21.
Variant type: single nucleotide variant.
Coding change: c.266A>G on transcript NM_024598.4 (MANE Select); coding-DNA position 266, A replaced by G.
Protein change: p.Tyr89Cys; replaces tyrosine 89 with cysteine.
Molecular consequence: missense variant.
Genome position (GRCh38, 1-based): chr16:58,009,929, A>G. VCF-style: chr16-58009929-A-G. GRCh37 (hg19) VCF-style: chr16-58043833-A-G.
Other names: c.266A>G, p.Tyr89Cys (NM_001195302.2, NM_001204911.2, NM_001330569.2); c.113A>G, p.Tyr38Cys (NM_001330568.2); short protein forms Y38C, Y89C.
Identifiers: ClinVar variation 3978187 (VCV003978187.1).

ClinVar aggregate classification (germline): Uncertain significance (1 of 4 stars; one submission).

Conditions:
Inborn genetic diseases. Identifiers: MedGen C0950123, MeSH D030342.

Submission:

Ambry Genetics
Classification: Uncertain significance for Inborn genetic diseases. Last evaluated: 2025-06-13. Review status: criteria provided, single submitter. Criteria: Ambry Variant Classification Scheme 2023. Collection method: clinical testing. Allele origin: germline.
Comment: The p.Y89C variant (also known as c.266A>G) is located in coding exon 3 of the USB1 gene. The tyrosine at codon 89 is replaced by cysteine, an amino acid with highly dissimilar properties. This change occurs in the first base pair of coding exon 3. This amino acid position is conserved. In addition, the in silico prediction for this alteration is inconclusive. Based on the available evidence, the clinical significance of this variant remains unclear.